The following is an entry in ClinVar:

ClinVar aggregate classification (germline): Uncertain significance. Review status: criteria provided, multiple submitters, no conflicts (2 of 4 stars). 2 submissions from 2 submitters: Uncertain significance (2). Last evaluated 2024-10-24.

Conditions:
Cerebral creatine deficiency syndrome. Also called: Creatine deficiency syndromes. Identifiers: Orphanet 79172, MedGen C5244016, MONDO:0000456.

Allele frequency attached by ClinVar (database versions not stated): gnomAD exomes below 0.00001; gnomAD 0.00001.
gnomAD v4.1: 5 of 1,607,728 alleles (0.00031%); highest among the groups gnomAD compares: East Asian, 0.0045%; no homozygotes.

Submissions (2):

Labcorp Genetics (formerly Invitae), Labcorp
Classification: Uncertain significance for Cerebral creatine deficiency syndrome. Last evaluated: 2024-10-24. Review status: criteria provided, single submitter. Criteria: Invitae Variant Classification Sherloc (09022015). Collection method: clinical testing. Allele origin: germline.
Comment: This sequence change replaces valine, which is neutral and non-polar, with methionine, which is neutral and non-polar, at codon 67 of the GAMT protein (p.Val67Met). This variant is not present in population databases (gnomAD no frequency). This variant has not been reported in the literature in individuals affected with GAMT-related conditions. ClinVar contains an entry for this variant (Variation ID: 2153880). Invitae Evidence Modeling of protein sequence and biophysical properties (such as structural, functional, and spatial information, amino acid conservation, physicochemical variation, residue mobility, and thermodynamic stability) has been performed for this missense variant. However, the output from this modeling did not meet the statistical confidence thresholds required to predict the impact of this variant on GAMT protein function. In summary, the available evidence is currently insufficient to determine the role of this variant in disease. Therefore, it has been classified as a Variant of Uncertain Significance.

Blueprint Genetics
Classification: Uncertain significance. Last evaluated: 2023-08-23. Review status: criteria provided, single submitter. Criteria: ACMG Guidelines, 2015. Collection method: clinical testing. Allele origin: germline.

NM_000156.6(GAMT):c.199G>A (p.Val67Met)

Gene: GAMT (guanidinoacetate N-methyltransferase; minus strand). Cytogenetic location: 19p13.3.
Variant type: single nucleotide variant.
Coding change: c.199G>A on transcript NM_000156.6 (MANE Select); coding-DNA position 199, G replaced by A.
Protein change: p.Val67Met; replaces valine 67 with methionine.
Molecular consequence: missense variant.
Genome position (GRCh38, 1-based): chr19:1,399,921, C>T on the plus strand (G>A on the coding strand, the complement: GAMT is on the minus strand). VCF-style: chr19-1399921-C-T. GRCh37 (hg19) VCF-style: chr19-1399920-C-T.
Other names: c.199G>A, p.Val67Met (NM_138924.3); short protein forms V67M.
Identifiers: ClinVar variation 2153880 (VCV002153880.3), dbSNP rs2082624054, ClinGen allele CA402997221.